The following is an entry in ClinVar:

ClinVar aggregate classification (germline): Conflicting classifications of pathogenicity. Review status: criteria provided, conflicting classifications (1 of 4 stars). 3 submissions from 3 submitters: Uncertain significance (2); Likely benign (1). Last evaluated 2025-01-13.

Conditions:
Primary ciliary dyskinesia. Also called: Ciliary dyskinesia. Identifiers: Orphanet 244, MedGen C0008780, MONDO:0016575, HP:0012265.
DNAH5-related disorder. Also called: DNAH5-related condition.

Allele frequency attached by ClinVar (database versions not stated): gnomAD exomes 0.00001; TOPMed 0.00001; ExAC 0.00002.
gnomAD v4.1: 19 of 1,613,934 alleles (0.0012%); highest among the groups gnomAD compares: Middle Eastern, 0.017%; no homozygotes.

Submissions (3):

PreventionGenetics, part of Exact Sciences
Classification: Uncertain significance for DNAH5-related condition. Last evaluated: 2025-01-13. Review status: criteria provided, single submitter. Criteria: ACMG Guidelines, 2015. Collection method: clinical testing. Allele origin: germline.
Comment: The DNAH5 c.4591A>T variant is predicted to result in the amino acid substitution p.Ile1531Leu. To our knowledge, this variant has not been reported in the literature. This variant is reported in 0.0058% of alleles in individuals of Latino descent in gnomAD. At this time, the clinical significance of this variant is uncertain due to the absence of conclusive functional and genetic evidence.

Labcorp Genetics (formerly Invitae), Labcorp
Classification: Likely benign for Primary ciliary dyskinesia. Last evaluated: 2024-02-29. Review status: criteria provided, single submitter. Criteria: Invitae Variant Classification Sherloc (09022015). Collection method: clinical testing. Allele origin: germline.

Ambry Genetics
Classification: Uncertain significance for Primary ciliary dyskinesia. Last evaluated: 2023-06-01. Review status: criteria provided, single submitter. Criteria: Ambry Variant Classification Scheme 2023. Collection method: clinical testing. Allele origin: germline.

NM_001369.3(DNAH5):c.4591A>T (p.Ile1531Leu)

Genes: DNAH5 (dynein axonemal heavy chain 5; minus strand), DNAH5-AS1 (DNAH5 antisense RNA 1; plus strand). Cytogenetic location: 5p15.2.
Variant type: single nucleotide variant.
Coding change: c.4591A>T on transcript NM_001369.3 (MANE Select); coding-DNA position 4591, A replaced by T.
Protein change: p.Ile1531Leu; replaces isoleucine 1531 with leucine.
Molecular consequence: missense variant.
Genome position (GRCh38, 1-based): chr5:13,864,402, T>A on the plus strand (A>T on the coding strand, the complement: DNAH5 is on the minus strand). VCF-style: chr5-13864402-T-A. GRCh37 (hg19) VCF-style: chr5-13864511-T-A.
Other names: c.4591A>T (NM_001369.2); short protein forms I1531L.
Identifiers: ClinVar variation 2078333 (VCV002078333.7), dbSNP rs781466090, ClinGen allele CA3203944.
Genomic context (GRCh38, chr5:13,864,402, plus strand): 5'-TGTTATCAAATAAATCCCATGAGACCTTGCAATCTTCCATCACATCATACTCTACCTCTA[T>A]TTCCTCTTTATATTTCAGAAGAGGTGCCTCCATGATATTTCTTAACTTAAAGCTTTCATT-3'
Protein context (NP_001360.1, residues 1521-1541): EAPLLKYKEE[Ile1531Leu]EDICISAVKE